The following is an entry in ClinVar:

ClinVar aggregate classification (germline): Uncertain significance (1 of 4 stars; one submission).

Conditions:
Congenital myasthenic syndrome 2A. Also called: Myasthenic syndrome, congenital, 2a, slow-channel. Identifiers: Orphanet 590, MedGen C4225374, MONDO:0014581, OMIM 616313.

Allele frequency attached by ClinVar (database versions not stated): gnomAD exomes below 0.00001; gnomAD 0.00001.
gnomAD v4.1: 4 of 1,613,864 alleles (0.00025%); highest among the groups gnomAD compares: Admixed American, 0.005%; no homozygotes.

Submission:

Labcorp Genetics (formerly Invitae), Labcorp
Classification: Uncertain significance for Congenital myasthenic syndrome 2A. Last evaluated: 2022-05-13. Review status: criteria provided, single submitter. Criteria: Invitae Variant Classification Sherloc (09022015). Collection method: clinical testing. Allele origin: germline.
Comment: In summary, the available evidence is currently insufficient to determine the role of this variant in disease. Therefore, it has been classified as a Variant of Uncertain Significance. Advanced modeling of protein sequence and biophysical properties (such as structural, functional, and spatial information, amino acid conservation, physicochemical variation, residue mobility, and thermodynamic stability) performed at Invitae indicates that this missense variant is not expected to disrupt CHRNB1 protein function. This sequence change replaces threonine, which is neutral and polar, with alanine, which is neutral and non-polar, at codon 474 of the CHRNB1 protein (p.Thr474Ala). This variant is present in population databases (no rsID available, gnomAD 0.003%). This variant has not been reported in the literature in individuals affected with CHRNB1-related conditions.

NM_000747.3(CHRNB1):c.1420A>G (p.Thr474Ala)

Gene: CHRNB1 (cholinergic receptor nicotinic beta 1 subunit; plus strand). Cytogenetic location: 17p13.1.
Variant type: single nucleotide variant.
Coding change: c.1420A>G on transcript NM_000747.3 (MANE Select); coding-DNA position 1420, A replaced by G.
Protein change: p.Thr474Ala; replaces threonine 474 with alanine.
Molecular consequence: missense variant.
Genome position (GRCh38, 1-based): chr17:7,456,637, A>G. VCF-style: chr17-7456637-A-G. GRCh37 (hg19) VCF-style: chr17-7359956-A-G.
Other names: short protein forms T474A.
Identifiers: ClinVar variation 1977424 (VCV001977424.5), dbSNP rs1264670881, ClinGen allele CA397803114.
Genomic context (GRCh38, chr17:7,456,637, plus strand): 5'-CCACAGCTGAAGGAGGACTGGCAGTTTGTGGCCATGGTAGTGGACCGCCTCTTCCTGTGG[A>G]CTTTCATCATCTTCACCAGCGTTGGGACCCTAGTCATCTTCCTGGACGCCACGTACCACT-3'
Protein context (NP_000738.2, residues 464-484): AMVVDRLFLW[Thr474Ala]FIIFTSVGTL